The following is an entry in ClinVar:

ClinVar aggregate classification (germline): Uncertain significance (1 of 4 stars; one submission).

Conditions:
ADGRV1-related disorder. Also called: ADGRV1-related condition; ADGRV1-related disorders.

Submission:

PreventionGenetics, part of Exact Sciences
Classification: Uncertain significance for ADGRV1-related condition. Last evaluated: 2026-09-02. Review status: criteria provided, single submitter. Criteria: ACMG Guidelines, 2015. Collection method: clinical testing. Allele origin: germline.
Comment: The ADGRV1 c.14597C>T variant is predicted to result in the amino acid substitution p.Pro4866Leu. To our knowledge, this variant has not been reported in the literature or in a large population database (gnomAD), indicating this variant is rare. At this time, the clinical significance of this variant is uncertain due to the absence of conclusive functional and genetic evidence.

NM_032119.4(ADGRV1):c.14597C>T (p.Pro4866Leu)

Gene: ADGRV1 (adhesion G protein-coupled receptor V1; plus strand). Cytogenetic location: 5q14.3.
Variant type: single nucleotide variant.
Coding change: c.14597C>T on transcript NM_032119.4 (MANE Select); coding-DNA position 14597, C replaced by T.
Protein change: p.Pro4866Leu; replaces proline 4866 with leucine.
Molecular consequence: missense variant. On other transcripts: non-coding transcript variant (1).
Genome position (GRCh38, 1-based): chr5:90,802,818, C>T. VCF-style: chr5-90802818-C-T. GRCh37 (hg19) VCF-style: chr5-90098635-C-T.
Other names: short protein forms P4866L.
Identifiers: ClinVar variation 4985407 (VCV004985407.1).